The following is an entry in ClinVar:

ClinVar aggregate classification (germline): Pathogenic (1 of 4 stars; one submission).

Conditions:
Mucopolysaccharidosis type 1. Also called: Mucopolysaccharidosis Type I; IDUA deficiency; MPS I. Identifiers: Orphanet 579, MedGen C0023786, MONDO:0001586.

Submission:

Labcorp Genetics (formerly Invitae), Labcorp
Classification: Pathogenic for Mucopolysaccharidosis type 1. Last evaluated: 2024-01-31. Review status: criteria provided, single submitter. Criteria: Invitae Variant Classification Sherloc (09022015). Collection method: clinical testing. Allele origin: germline.
Comment: This sequence change creates a premature translational stop signal (p.Tyr618*) in the IDUA gene. While this is not anticipated to result in nonsense mediated decay, it is expected to disrupt the last 36 amino acid(s) of the IDUA protein. This variant is not present in population databases (gnomAD no frequency). This premature translational stop signal has been observed in individual(s) with mucopolysaccharidosis type I (PMID: 15521993). Algorithms developed to predict the effect of sequence changes on RNA splicing suggest that this variant may disrupt the consensus splice site. This variant disrupts a region of the IDUA protein in which other variant(s) (p.Ser633Leu) have been determined to be pathogenic (PMID: 11735025, 16438163, 21480867, 26825088, 27146977). This suggests that this is a clinically significant region of the protein, and that variants that disrupt it are likely to be disease-causing. For these reasons, this variant has been classified as Pathogenic.

Literature cited by the submitters: PubMed 15521993; PubMed 11735025; PubMed 16438163; PubMed 21480867; PubMed 26825088; PubMed 27146977.

NM_000203.5(IDUA):c.1854C>G (p.Tyr618Ter)

Gene: IDUA (alpha-L-iduronidase; plus strand). Cytogenetic location: 4p16.3.
Variant type: single nucleotide variant.
Coding change: c.1854C>G on transcript NM_000203.5 (MANE Select); coding-DNA position 1854, C replaced by G.
Protein change: p.Tyr618Ter; replaces tyrosine 618 with a stop codon.
Molecular consequence: nonsense. On other transcripts: non-coding transcript variant (1).
Genome position (GRCh38, 1-based): chr4:1,004,285, C>G. VCF-style: chr4-1004285-C-G. GRCh37 (hg19) VCF-style: chr4-998073-C-G.
Other names: c.1458C>G, p.Tyr486Ter (NM_001363576.1); short protein forms Y618*, Y486*.
Identifiers: ClinVar variation 3637726 (VCV003637726.2).